The following is an entry in ClinVar:

ClinVar aggregate classification (germline): Uncertain significance (1 of 4 stars; one submission).

Submission:

GeneDx
Classification: Uncertain significance. Last evaluated: 2021-03-05. Review status: criteria provided, single submitter. Criteria: GeneDx Variant Classification Process June 2021. Collection method: clinical testing. Allele origin: germline. Affected: yes.
Comment: Not observed in large population cohorts (Lek et al., 2016); In silico analysis supports that this missense variant does not alter protein structure/function; Has not been previously published as pathogenic or benign to our knowledge

NM_021098.3(CACNA1H):c.5670T>A (p.Ser1890Arg)

Gene: CACNA1H (calcium voltage-gated channel subunit alpha1 H; plus strand). Cytogenetic location: 16p13.3.
Variant type: single nucleotide variant.
Coding change: c.5670T>A on transcript NM_021098.3 (MANE Select); coding-DNA position 5670, T replaced by A.
Protein change: p.Ser1890Arg; replaces serine 1890 with arginine.
Molecular consequence: missense variant.
Genome position (GRCh38, 1-based): chr16:1,218,434, T>A. VCF-style: chr16-1218434-T-A. GRCh37 (hg19) VCF-style: chr16-1268434-T-A.
Other names: c.5652T>A, p.Ser1884Arg (NM_001005407.2); short protein forms S1890R, S1884R.
Identifiers: ClinVar variation 451019 (VCV000451019.3), dbSNP rs1555520259, ClinGen allele CA394147665.